The following is an entry in ClinVar:

NM_001673.5(ASNS):c.1321-3C>T

Genes: ASNS (asparagine synthetase (glutamine-hydrolyzing); minus strand), CZ1P-ASNS (CZ1P-ASNS readthrough; minus strand). Cytogenetic location: 7q21.3.
Variant type: single nucleotide variant.
Coding change: c.1321-3C>T on transcript NM_001673.5 (MANE Select); 3 bases into the intron before coding-DNA position 1321, C replaced by T.
Molecular consequence: intron variant.
Genome position (GRCh38, 1-based): chr7:97,853,218, G>A on the plus strand (C>T on the coding strand, the complement: ASNS is on the minus strand). VCF-style: chr7-97853218-G-A. GRCh37 (hg19) VCF-style: chr7-97482530-G-A.
Other names: c.1321-3C>T (NM_001352496.2, NM_183356.4, NM_133436.3); c.1072-3C>T (NM_001178076.2, NM_001178077.1); c.1258-3C>T (NM_001178075.2).
Identifiers: ClinVar variation 2160738 (VCV002160738.1), dbSNP rs200364733, ClinGen allele CA4354519.

ClinVar aggregate classification (germline): Uncertain significance (1 of 4 stars; one submission).

Allele frequency attached by ClinVar (database versions not stated): ExAC 0.00001; gnomAD 0.00001; gnomAD exomes 0.00002; 1000 Genomes Project 30x 0.00016; 1000 Genomes Project 0.00020.
gnomAD v4.1: 26 of 1,606,526 alleles (0.0016%); highest among the groups gnomAD compares: East Asian, 0.056%; no homozygotes.

Submission:

Labcorp Genetics (formerly Invitae), Labcorp
Classification: Uncertain significance. Last evaluated: 2022-04-18. Review status: criteria provided, single submitter. Criteria: Invitae Variant Classification Sherloc (09022015). Collection method: clinical testing. Allele origin: germline.
Comment: This sequence change falls in intron 11 of the ASNS gene. It does not directly change the encoded amino acid sequence of the ASNS protein. It affects a nucleotide within the consensus splice site. This variant is present in population databases (rs200364733, gnomAD 0.01%). This variant has not been reported in the literature in individuals affected with ASNS-related conditions. Variants that disrupt the consensus splice site are a relatively common cause of aberrant splicing (PMID: 17576681, 9536098). Algorithms developed to predict the effect of sequence changes on RNA splicing suggest that this variant is not likely to affect RNA splicing. In summary, the available evidence is currently insufficient to determine the role of this variant in disease. Therefore, it has been classified as a Variant of Uncertain Significance.

Literature cited by the submitters: PubMed 17576681; PubMed 9536098.